The following is an entry in ClinVar:

NM_014332.3(SMPX):c.101G>T (p.Arg34Ile)

Gene: SMPX (small muscle protein X-linked; minus strand). Cytogenetic location: Xp22.12.
Variant type: single nucleotide variant.
Coding change: c.101G>T on transcript NM_014332.3 (MANE Select); coding-DNA position 101, G replaced by T.
Protein change: p.Arg34Ile; replaces arginine 34 with isoleucine.
Molecular consequence: missense variant. On other transcripts: non-coding transcript variant (1).
Genome position (GRCh38, 1-based): chrX:21,743,781, C>A on the plus strand (G>T on the coding strand, the complement: SMPX is on the minus strand). VCF-style: chrX-21743781-C-A. GRCh37 (hg19) VCF-style: chrX-21761899-C-A.
Other names: short protein forms R34I.
Identifiers: ClinVar variation 3696690 (VCV003696690.2).
Genomic context (GRCh38, chrX:21,743,781, plus strand): 5'-CTGTGTTCTGAGAGCTGAGTTTTCCTCACCTCCTCCACTTCAGGAGTACATTCTTTTCTT[C>A]TGGGGGGTTGACCTGCTCCTGGCCGAAAGGCTCCCATTGGAATATTGATATTTGCCTAAA-3'
Protein context (NP_055147.1, residues 24-44): AFRPGAGQPP[Arg34Ile]RKECTPEVEE

ClinVar aggregate classification (germline): Uncertain significance (1 of 4 stars; one submission).

Submission:

Labcorp Genetics (formerly Invitae), Labcorp
Classification: Uncertain significance. Last evaluated: 2024-08-28. Review status: criteria provided, single submitter. Criteria: Invitae Variant Classification Sherloc (09022015). Collection method: clinical testing. Allele origin: germline.
Comment: This sequence change replaces arginine, which is basic and polar, with isoleucine, which is neutral and non-polar, at codon 34 of the SMPX protein (p.Arg34Ile). This variant is not present in population databases (gnomAD no frequency). This variant has not been reported in the literature in individuals affected with SMPX-related conditions. An algorithm developed to predict the effect of missense changes on protein structure and function (PolyPhen-2) suggests that this variant is likely to be disruptive. In summary, the available evidence is currently insufficient to determine the role of this variant in disease. Therefore, it has been classified as a Variant of Uncertain Significance.